The following is an entry in ClinVar:

ClinVar aggregate classification (germline): Pathogenic (1 of 4 stars; one submission).

Conditions:
Diamond-Blackfan anemia 1 (DBA1). Also called: RPS19-Related Diamond-Blackfan Anemia; BLACKFAN-DIAMOND SYNDROME; ANEMIA, CONGENITAL HYPOPLASTIC, OF BLACKFAN AND DIAMOND; ANEMIA, CONGENITAL ERYTHROID HYPOPLASTIC; RED CELL APLASIA, PURE, HEREDITARY; AREGENERATIVE ANEMIA, CHRONIC CONGENITAL. Identifiers: Orphanet 124, MedGen C2676137, MONDO:0007110, OMIM 105650.

Submission:

Victorian Clinical Genetics Services, Murdoch Childrens Research Institute
Classification: Pathogenic for Diamond-Blackfan anemia 1. Last evaluated: 2024-09-20. Review status: criteria provided, single submitter. Criteria: ACMG Guidelines, 2015. Collection method: clinical testing. Allele origin: germline. Inheritance: Autosomal dominant inheritance. Affected: yes.
Comment: Based on the classification scheme VCGS_Germline_v1.3.4, this variant is classified as Pathogenic. Following criteria are met: 0102 - Loss of function is a known mechanism of disease in this gene and is associated with Diamond-Blackfan anaemia 1 (MIM#105650). (I) 0107 - This gene is associated with autosomal dominant disease. (I) 0112 - The condition associated with this gene has incomplete penetrance. It has been reported in at least one family (PMID: 35923690). (I) 0115 - Variants in this gene are known to have variable expressivity. Intra-familial variability has been reported (PMID: 35923690). (I) 0204 - Variant is predicted to result in a truncated protein (premature termination codon is located within the first 102 nucleotides of the coding sequence and is predicted to escape nonsense-mediated decay). (SP) 0251 - This variant is heterozygous. (I) 0301 - Variant is absent from gnomAD (both v2 and v3). (SP) 0701 - Other premature termination variants comparable to the one identified in this case have very strong previous evidence for pathogenicity. At least five comparable variants with premature termination codons located within the first 102 nucleotides of the coding sequence in this gene have been reported as likely pathogenic/pathogenic or in individuals with Diamond-Blackfan anaemia (ClinVar, PMID: 25946618). (SP) 0807 - This variant has no previous evidence of pathogenicity. (I) 0905 - No published segregation evidence has been identified for this variant. (I) 1007 - No published functional evidence has been identified for this variant. (I) 1208 - Inheritance information for this variant is not currently available in this individual. (I) Legend: (SP) - Supporting pathogenic, (I) - Information, (SB) - Supporting benign

Literature cited by the submitters: PubMed 25946618; PubMed 35923690.

NM_001022.4(RPS19):c.24_31dup (p.Gln11delinsProTer)

Genes: RPS19 (ribosomal protein S19; plus strand), RPS19-CD79A (RPS19-CD79A readthrough; plus strand). Cytogenetic location: 19q13.2.
Variant type: Duplication.
Coding change: c.24_31dup on transcript NM_001022.4 (MANE Select); coding-DNA positions 24 to 31, 8 bases duplicated (CGTGAACC; older notation c.24_31dupCGTGAACC).
Protein change: p.Gln11delinsProTer.
Molecular consequence: nonsense.
Genome position (GRCh38, 1-based): chr19:41,860,798-41,860,805, CGTGAACC duplicated. VCF-style (leftmost placement, unchanged base first): chr19-41860797-A-ACGTGAACC. GRCh37 (hg19) VCF-style: chr19-42364867-A-ACGTGAACC.
Other names: c.24_31dup, p.Gln11delinsProTer (NM_001321483.2, NM_001321484.2, NM_001321485.2).
Identifiers: ClinVar variation 3255048 (VCV003255048.2), dbSNP rs2513666064.